The following is an entry in ClinVar:

ClinVar aggregate classification (germline): Uncertain significance (1 of 4 stars; one submission).

Conditions:
Hereditary cancer-predisposing syndrome. Also called: Hereditary neoplastic syndrome; Hereditary Cancer Syndrome; Neoplastic Syndromes, Hereditary; Tumor predisposition. Identifiers: Orphanet 140162, MedGen C0027672, MeSH D009386, MONDO:0015356.

Allele frequency attached by ClinVar (database versions not stated): gnomAD exomes below 0.00001.
gnomAD v4.1: 1 of 1,613,036 alleles (0.000062%); highest among the groups gnomAD compares: Non-Finnish European, 0.000085%; no homozygotes.

Submission:

Ambry Genetics
Classification: Uncertain significance for Hereditary cancer-predisposing syndrome. Last evaluated: 2023-03-30. Review status: criteria provided, single submitter. Criteria: Ambry Variant Classification Scheme 2023. Collection method: clinical testing. Allele origin: germline.
Comment: The p.L519V variant (also known as c.1555C>G), located in coding exon 12 of the APC gene, results from a C to G substitution at nucleotide position 1555. The leucine at codon 519 is replaced by valine, an amino acid with highly similar properties. This amino acid position is highly conserved in available vertebrate species. In addition, in silico predictors for this gene do not accurately predict pathogenicity. Since supporting evidence is limited at this time, the clinical significance of this alteration remains unclear.

NM_000038.6(APC):c.1555C>G (p.Leu519Val)

Gene: APC (APC regulator of Wnt signaling pathway; plus strand). Cytogenetic location: 5q22.2.
Variant type: single nucleotide variant.
Coding change: c.1555C>G on transcript NM_000038.6 (MANE Select); coding-DNA position 1555, C replaced by G.
Protein change: p.Leu519Val; replaces leucine 519 with valine.
Molecular consequence: missense variant.
Genome position (GRCh38, 1-based): chr5:112,827,935, C>G. VCF-style: chr5-112827935-C-G. GRCh37 (hg19) VCF-style: chr5-112163632-C-G.
Other names: c.1555C>G, p.Leu519Val (NM_001127510.3, NM_001354895.2, NM_001407450.1); c.1501C>G, p.Leu501Val (NM_001127511.3); c.1609C>G, p.Leu537Val (NM_001354896.2, NM_001407447.1, NM_001407448.1 and 1 more transcripts); c.1585C>G, p.Leu529Val (NM_001354897.2); c.1480C>G, p.Leu494Val (NM_001354898.2); c.1471C>G, p.Leu491Val (NM_001354899.2); c.1432C>G, p.Leu478Val (NM_001354900.2); c.1378C>G, p.Leu460Val (NM_001354901.2, NM_001407453.1); and 11 more; short protein forms L428V, L478V, L519V, L529V, L135V, L359V, L393V, L501V.
Identifiers: ClinVar variation 2566942 (VCV002566942.2), dbSNP rs2149813192, ClinGen allele CA16024703.